The following is an entry in ClinVar:

ClinVar aggregate classification (germline): Benign/Likely benign. Review status: criteria provided, multiple submitters, no conflicts (2 of 4 stars). 3 submissions from 3 submitters: Benign (1); Likely benign (1). 1 of the submissions does not count toward it. Last evaluated 2025-05-27.

Conditions:
Hereditary sensory and autonomic neuropathy type 7. Also called: Neuropathy, hereditary sensory and autonomic, type VII; HSAN VII. Identifiers: Orphanet 391397, MedGen C3809882, MONDO:0014244, OMIM 615548.
Familial episodic pain syndrome with predominantly lower limb involvement. Also called: Episodic pain syndrome, familial, 3. Identifiers: Orphanet 391384, Orphanet 391392, MedGen C3809899, MONDO:0014247, OMIM 615552.
SCN11A-related disorder. Also called: SCN11A-related condition.

Allele frequency attached by ClinVar (database versions not stated): ExAC 0.00011; gnomAD 0.00014 and 0.00015; TOPMed 0.00017; gnomAD exomes 0.00006 and 0.00004; ESP Exome Variant Server 0.00015; 1000 Genomes Project 0.00020; 1000 Genomes Project 30x 0.00031.
gnomAD v4.1: 77 of 1,614,010 alleles (0.0048%); highest among the groups gnomAD compares: African/African-American, 0.031%; no homozygotes.

Submissions (3):

Women's Health and Genetics/Laboratory Corporation of America, LabCorp
Classification: Benign. Last evaluated: 2025-05-27. Review status: criteria provided, single submitter. Criteria: LabCorp Variant Classification Summary - May 2015. Collection method: clinical testing. Allele origin: germline.

Labcorp Genetics (formerly Invitae), Labcorp
Classification: Likely benign for Familial episodic pain syndrome with predominantly lower limb involvement; Hereditary sensory and autonomic neuropathy type 7. Last evaluated: 2025-05-25. Review status: criteria provided, single submitter. Criteria: Invitae Variant Classification Sherloc (09022015). Collection method: clinical testing. Allele origin: germline.

PreventionGenetics, part of Exact Sciences
Classification: Likely benign for SCN11A-related condition. Last evaluated: 2020-05-21. Review status: no assertion criteria provided. Collection method: clinical testing. Allele origin: germline. Not counted in ClinVar's aggregate classification.
Comment: This variant is classified as likely benign based on ACMG/AMP sequence variant interpretation guidelines (Richards et al. 2015 PMID: 25741868, with internal and published modifications).

NM_001349253.2(SCN11A):c.153G>T (p.Arg51=)

Gene: SCN11A (sodium voltage-gated channel alpha subunit 11; minus strand). Cytogenetic location: 3p22.2.
Variant type: single nucleotide variant.
Coding change: c.153G>T on transcript NM_001349253.2 (MANE Select); coding-DNA position 153, G replaced by T.
Protein change: p.Arg51=; no amino-acid change (arginine 51 retained).
Molecular consequence: synonymous variant.
Genome position (GRCh38, 1-based): chr3:38,950,210, C>A on the plus strand (G>T on the coding strand, the complement: SCN11A is on the minus strand). VCF-style: chr3-38950210-C-A. GRCh37 (hg19) VCF-style: chr3-38991701-C-A.
Other names: c.153G>T, p.Arg51= (NM_014139.3); c.153G>T (NM_014139.2).
Identifiers: ClinVar variation 1651665 (VCV001651665.11), dbSNP rs187927728, ClinGen allele CA2322762.
Genomic context (GRCh38, chr3:38,950,210, plus strand): 5'-ACGAGGAATGTCGCCATAGAGCTTGGGCAACTTCCTGGAGGCCTTTAGGTCAAGCTGAGG[C>A]CGAGGCTGGGGTACTTCTCCTGTCTGGTCTTTAGACTTCTTTTTCTCCTTTTGGATGGCA-3'
Protein context (NP_001336182.1, residues 41-61): KDQTGEVPQP[Arg51=]PQLDLKASRK